The following is an entry in ClinVar:

ClinVar aggregate classification (germline): Uncertain significance. Review status: criteria provided, multiple submitters, no conflicts (2 of 4 stars). 3 submissions from 3 submitters: Uncertain significance (2). 1 of the submissions does not count toward it. Last evaluated 2026-06-30.

Conditions:
Joubert syndrome 7 (JBTS7). Identifiers: Orphanet 220497, MedGen C1969053, MONDO:0012694, OMIM 611560.
Meckel syndrome, type 5 (MKS5). Identifiers: Orphanet 564, MedGen C1969052, MONDO:0012695, OMIM 611561.
COACH syndrome 3. Identifiers: MedGen C5436841, MONDO:0030862, OMIM 619113.
RPGRIP1L-related disorder. Also called: RPGRIP1L-related condition; RPGRIP1L-related disorders. Identifiers: MedGen CN239416.
Joubert syndrome. Also called: Familial aplasia of the vermis; JOUBERT-BOLTSHAUSER SYNDROME. Identifiers: Orphanet 475, MedGen C5979921, MONDO:0018772.

Allele frequency attached by ClinVar (database versions not stated): ExAC 0.00001; TOPMed 0.00002; gnomAD 0.00003 and 0.00004.
gnomAD v4.1: 12 of 1,612,916 alleles (0.00074%); highest among the groups gnomAD compares: African/African-American, 0.0067%; no homozygotes.

Submissions (3):

PreventionGenetics, part of Exact Sciences
Classification: Uncertain significance for RPGRIP1L-related condition. Last evaluated: 2026-06-30. Review status: criteria provided, single submitter. Criteria: ACMG Guidelines, 2015. Collection method: clinical testing. Allele origin: germline.
Comment: The RPGRIP1L c.1829A>G variant is predicted to result in the amino acid substitution p.His610Arg. To our knowledge, this variant has not been reported in the literature. This variant is reported in 0.0029% of alleles in individuals of Latino descent in gnomAD. An alternative missense change at the same amino acid position, described as p.His610Pro, has been reported in the compound heterozygous state in a patient with multicystic dysplastic kidneys, occipital encephalocele, Dandy Walker malformation, and polydactyly (Otto et al. 2011. PubMed ID: 21068128; Chaki et al. 2011. PubMed ID: 21866095). At this time, the clinical significance of the c.1829A>G (p.His610Arg) variant is uncertain due to the absence of conclusive functional and genetic evidence.

Fulgent Genetics
Classification: Uncertain significance for Joubert syndrome 7; Meckel syndrome, type 5; COACH syndrome 3. Last evaluated: 2024-04-11. Review status: criteria provided, single submitter. Criteria: ACMG Guidelines, 2015. Collection method: clinical testing. Allele origin: germline.

Natera, Inc.
Classification: Uncertain significance for Joubert syndrome. Last evaluated: 2020-10-26. Review status: no assertion criteria provided. Collection method: clinical testing. Allele origin: germline. Not counted in ClinVar's aggregate classification.

NM_015272.5(RPGRIP1L):c.1829A>G (p.His610Arg)

Gene: RPGRIP1L (RPGRIP1 like; minus strand). Cytogenetic location: 16q12.2.
Variant type: single nucleotide variant.
Coding change: c.1829A>G on transcript NM_015272.5 (MANE Select); coding-DNA position 1829, A replaced by G.
Protein change: p.His610Arg; replaces histidine 610 with arginine.
Molecular consequence: missense variant.
Genome position (GRCh38, 1-based): chr16:53,652,858, T>C on the plus strand (A>G on the coding strand, the complement: RPGRIP1L is on the minus strand). VCF-style: chr16-53652858-T-C. GRCh37 (hg19) VCF-style: chr16-53686770-T-C.
Other names: c.1829A>G (NM_015272.4); c.1829A>G, p.His610Arg (NM_001127897.4, NM_001308334.3, NM_001330538.2); short protein forms H610R.
Identifiers: ClinVar variation 992032 (VCV000992032.3), dbSNP rs386833997, ClinGen allele CA8057694.